The following is an entry in ClinVar:

ClinVar aggregate classification (germline): Pathogenic (1 of 4 stars; one submission).

Conditions:
Gorlin syndrome. Also called: Nevoid Basal Cell Carcinoma Syndrome; Basal cell nevus syndrome. Identifiers: Orphanet 377, MedGen C0004779, MONDO:0007187.

Submission:

Labcorp Genetics (formerly Invitae), Labcorp
Classification: Pathogenic for Gorlin syndrome. Last evaluated: 2024-04-22. Review status: criteria provided, single submitter. Criteria: Invitae Variant Classification Sherloc (09022015). Collection method: clinical testing. Allele origin: germline.
Comment: This sequence change creates a premature translational stop signal (p.Val619Glnfs*7) in the PTCH1 gene. It is expected to result in an absent or disrupted protein product. Loss-of-function variants in PTCH1 are known to be pathogenic (PMID: 16301862, 16419085). This variant is not present in population databases (gnomAD no frequency). This variant has not been reported in the literature in individuals affected with PTCH1-related conditions. For these reasons, this variant has been classified as Pathogenic.

Literature cited by the submitters: PubMed 16301862; PubMed 16419085.

NM_000264.5(PTCH1):c.1854_1855del (p.Val619fs)

Genes: PTCH1 (patched 1; minus strand), LOC100507346 (uncharacterized LOC100507346; plus strand). Cytogenetic location: 9q22.32.
Variant type: Deletion.
Coding change: c.1854_1855del on transcript NM_000264.5 (MANE Select); coding-DNA positions 1854 to 1855, 2 bases deleted (CG; older notation c.1854_1855delCG).
Protein change: p.Val619fs; shifts the reading frame from valine 619.
Molecular consequence: frameshift variant. On other transcripts: non-coding transcript variant (2).
Genome position (GRCh38, 1-based): chr9:95,469,146-95,469,147, CG deleted on the plus strand (CG on the coding strand, the reverse complement: PTCH1 is on the minus strand); deleting any 2 consecutive bases within chr9:95,469,146-95,469,148 gives the same sequence; the c. name uses the placement nearest the transcript's 3' end. VCF-style (leftmost placement, unchanged base first): chr9-95469145-ACG-A. GRCh37 (hg19) VCF-style: chr9-98231427-ACG-A.
Other names: c.1656_1657del, p.Val553fs (NM_001083602.3); c.1851_1852del, p.Val618fs (NM_001083603.3); c.1401_1402del, p.Val468fs (NM_001083604.3, NM_001083605.3, NM_001083606.3 and 1 more transcripts); c.1698_1699del, p.Val567fs (NM_001354918.2); short protein forms V468fs, V567fs, V618fs, V619fs, V553fs.
Identifiers: ClinVar variation 3650525 (VCV003650525.2).
Genomic context (GRCh38, chr9:95,469,145, plus strand): 5'-TAGCGGGTATTGTCGTGTGTGTCGGTGTAGGCCTGAGGTTCAACCTGAATCACTCTGCTG[ACG>A]CAGGGGCTGAAAGGAGGGGAAACATGTTGCAATGTTATGCTGAAACAGGGAAATGGTGCT-3'